The following is an entry in ClinVar:

NM_000218.3(KCNQ1):c.1514+26176G>A

Genes: KCNQ1 (potassium voltage-gated channel subfamily Q member 1; plus strand), KCNQ1OT1 (KCNQ1 opposite strand/antisense transcript 1; minus strand). Cytogenetic location: 11p15.5.
Variant type: single nucleotide variant.
Coding change: c.1514+26176G>A on transcript NM_000218.3 (MANE Select); 26176 bases into the intron after coding-DNA position 1514, G replaced by A.
Molecular consequence: intron variant.
Genome position (GRCh38, 1-based): chr11:2,688,257, G>A. VCF-style: chr11-2688257-G-A. GRCh37 (hg19) VCF-style: chr11-2709487-G-A.
Other names: c.1244+26176G>A (NM_001406837.1); c.1418+26176G>A (NM_001406836.1); c.974+26176G>A (NM_001406838.1); c.1133+26176G>A (NM_181798.2).
Identifiers: ClinVar variation 2578648 (VCV002578648.25), dbSNP rs938247352, ClinGen allele CA216190414.

ClinVar aggregate classification (germline): Likely benign (1 of 4 stars; one submission).

Allele frequency attached by ClinVar (database versions not stated): TOPMed 0.00006; gnomAD 0.00008; gnomAD exomes 0.00012.
gnomAD v4.1: 49 of 398,556 alleles (0.012%); highest among the groups gnomAD compares: Non-Finnish European, 0.0049%; no homozygotes.

Submission:

CeGaT Center for Human Genetics Tuebingen
Classification: Likely benign. Last evaluated: 2025-06-01. Review status: criteria provided, single submitter. Criteria: CeGaT Center For Human Genetics Tuebingen Variant Classification Criteria Version 2. Collection method: clinical testing. Allele origin: germline. Affected: yes. Observed: 5 variant alleles.
Comment: KCNQ1OT1: BS1